The following is an entry in ClinVar:

ClinVar aggregate classification (germline): Uncertain significance (1 of 4 stars; one submission).

Submission:

CeGaT Center for Human Genetics Tuebingen
Classification: Uncertain significance. Last evaluated: 2024-05-01. Review status: criteria provided, single submitter. Criteria: CeGaT Center For Human Genetics Tuebingen Variant Classification Criteria Version 2. Collection method: clinical testing. Allele origin: germline. Affected: yes. Observed: 1 variant allele.
Comment: JPH3: PM2, PM4:Supporting

NM_020655.4(JPH3):c.1316CCT[1] (p.Ser440del)

Gene: JPH3 (junctophilin 3; plus strand). Cytogenetic location: 16q24.2.
Variant type: Microsatellite.
Coding change: c.1316CCT[1] on transcript NM_020655.4 (MANE Select); one copy of the 3-base unit CCT starting at c.1316; the reference has two copies in a row; one copy, 3 bases deleted.
Protein change: p.Ser440del; deletes serine 440.
Molecular consequence: inframe deletion. On other transcripts: non-coding transcript variant (1).
Genome position (GRCh38, 1-based): chr16:87,689,679-87,689,681, CCT deleted; deleting any 3 consecutive bases within chr16:87,689,676-87,689,681 gives the same sequence; the position shown is the placement nearest the transcript's 3' end. VCF-style (leftmost placement, unchanged base first): chr16-87689675-ACCT-A. GRCh37 (hg19) VCF-style: chr16-87723281-ACCT-A.
Other names: short protein forms S440del.
Identifiers: ClinVar variation 3239551 (VCV003239551.19), dbSNP rs2507650889.
Genomic context (GRCh38, chr16:87,689,675, plus strand): 5'-CCGTCTGGCGTCGTCTTGTGTCCCCATACAGGGCTGGAGTACCAGAGGCCGAAGCGTCAG[ACCT>A]CCTGTGACGACATCGAGGTGCTGTCCACCGGGACACCCCTGCAGCAGGAGAGCCCCGAGC-3'